The following is an entry in ClinVar:

ClinVar aggregate classification (germline): Likely pathogenic (1 of 4 stars; one submission).

Conditions:
MHC class II deficiency. Also called: Bare lymphocyte syndrome 2; BLS, TYPE II. Identifiers: Orphanet 572, MedGen C5447452, MONDO:0008855.

Submission:

Labcorp Genetics (formerly Invitae), Labcorp
Classification: Likely pathogenic for MHC class II deficiency. Last evaluated: 2018-11-24. Review status: criteria provided, single submitter. Criteria: Invitae Variant Classification Sherloc (09022015). Collection method: clinical testing. Allele origin: germline.
Comment: In summary, the currently available evidence indicates that the variant is pathogenic, but additional data are needed to prove that conclusively. Therefore, this variant has been classified as Likely Pathogenic. Donor and acceptor splice site variants typically lead to a loss of protein function (PMID: 16199547), and loss-of-function variants in RFX5 are known to be pathogenic (PMID: 7744245, 9401005, 10079298). Algorithms developed to predict the effect of sequence changes on RNA splicing suggest that this variant may disrupt the consensus splice site, but this prediction has not been confirmed by published transcriptional studies. This variant has not been reported in the literature in individuals with RFX5-related conditions. This variant is not present in population databases (ExAC no frequency). This sequence change affects an acceptor splice site in intron 8 of the RFX5 gene. It is expected to disrupt RNA splicing and likely results in an absent or disrupted protein product.

Literature cited by the submitters: PubMed 16199547; PubMed 7744245; PubMed 9401005; PubMed 10079298.

NM_001025603.2(RFX5):c.556-2A>G

Gene: RFX5 (regulatory factor X5; minus strand). Cytogenetic location: 1q21.3.
Variant type: single nucleotide variant.
Coding change: c.556-2A>G on transcript NM_001025603.2 (MANE Select); the canonical splice acceptor site of the intron before coding-DNA position 556, A replaced by G.
Molecular consequence: splice acceptor variant.
Genome position (GRCh38, 1-based): chr1:151,343,884, T>C on the plus strand (A>G on the coding strand, the complement: RFX5 is on the minus strand). VCF-style: chr1-151343884-T-C. GRCh37 (hg19) VCF-style: chr1-151316360-T-C.
Other names: c.436-2A>G (NM_001379419.1, NM_001379420.1); c.556-2A>G (NM_000449.4, NM_001379413.1, NM_001379417.1 and 5 more transcripts).
Identifiers: ClinVar variation 661028 (VCV000661028.7), dbSNP rs1571260171, ClinGen allele CA341939531.